The following is an entry in ClinVar:

ClinVar aggregate classification (germline): Uncertain significance (1 of 4 stars; one submission).

Conditions:
Neuropathy, hereditary sensory, type 2C. Also called: KIF1A-Related HSAN2 (HSAN2C); Hereditary sensory and autonomic neuropathy type IIC. Identifiers: Orphanet 970, MedGen C3280168, MONDO:0013634, OMIM 614213.
Hereditary spastic paraplegia 30. Identifiers: Orphanet 101010, MedGen C5235139, MONDO:0012476.
Intellectual disability, autosomal dominant 9 (NESCAVS). Also called: KIF1A-Related Neurodevelopmental Disorder; NESCAV SYNDROME. Identifiers: Orphanet 662367, MedGen C5393830, MONDO:0013656, OMIM 614255.

gnomAD v4.1: 2 of 1,596,330 alleles (0.00013%); highest among the groups gnomAD compares: Non-Finnish European, 0.00017%; no homozygotes.

Submission:

Labcorp Genetics (formerly Invitae), Labcorp
Classification: Uncertain significance for Hereditary spastic paraplegia 30; Neuropathy, hereditary sensory, type 2C; Intellectual disability, autosomal dominant 9. Last evaluated: 2024-10-22. Review status: criteria provided, single submitter. Criteria: Invitae Variant Classification Sherloc (09022015). Collection method: clinical testing. Allele origin: germline.
Comment: This sequence change replaces threonine, which is neutral and polar, with isoleucine, which is neutral and non-polar, at codon 783 of the KIF1A protein (p.Thr783Ile). This variant is not present in population databases (gnomAD no frequency). This variant has not been reported in the literature in individuals affected with KIF1A-related conditions. Invitae Evidence Modeling of protein sequence and biophysical properties (such as structural, functional, and spatial information, amino acid conservation, physicochemical variation, residue mobility, and thermodynamic stability) has been performed for this missense variant. However, the output from this modeling did not meet the statistical confidence thresholds required to predict the impact of this variant on KIF1A protein function. In summary, the available evidence is currently insufficient to determine the role of this variant in disease. Therefore, it has been classified as a Variant of Uncertain Significance.

NM_001244008.2(KIF1A):c.2375C>T (p.Thr792Ile)

Gene: KIF1A (kinesin family member 1A; minus strand). Cytogenetic location: 2q37.3.
Variant type: single nucleotide variant.
Coding change: c.2375C>T on transcript NM_001244008.2 (MANE Select); coding-DNA position 2375, C replaced by T.
Protein change: p.Thr792Ile; replaces threonine 792 with isoleucine.
Molecular consequence: missense variant.
Genome position (GRCh38, 1-based): chr2:240,760,734, G>A on the plus strand (C>T on the coding strand, the complement: KIF1A is on the minus strand). VCF-style: chr2-240760734-G-A. GRCh37 (hg19) VCF-style: chr2-241700151-G-A.
Other names: c.2375C>T, p.Thr792Ile (NM_001320705.2, NM_001330289.2, NM_001379638.1); c.2450C>T, p.Thr817Ile (NM_001330290.2, NM_001379631.1, NM_001379634.1 and 2 more transcripts); c.2348C>T, p.Thr783Ile (NM_001379632.1, NM_001379633.1, NM_001379636.1 and 10 more transcripts); c.2423C>T, p.Thr808Ile (NM_001379637.1, NM_001379648.1); short protein forms T783I, T792I, T808I, T817I.
Identifiers: ClinVar variation 3753707 (VCV003753707.2).
Genomic context (GRCh38, chr2:240,760,734, plus strand): 5'-TCCAGCGTCCAGTAGTGGGTGGCCCCGTTCTTCTGGTCCTGGACCTCCACGGCCACAATG[G>A]TGCGGGGGAAGGGCCGCGTCTCTCGGTCTTTGGCGGCCTCTGGGGGCAGCAGGTCGGGTG-3'
Protein context (NP_001230937.1, residues 782-802): KDRETRPFPR[Thr792Ile]IVAVEVQDQK